The following is an entry in ClinVar:

NM_005188.4(CBL):c.1622A>G (p.Asp541Gly)

Gene: CBL (Cbl proto-oncogene; plus strand). Cytogenetic location: 11q23.3.
Variant type: single nucleotide variant.
Coding change: c.1622A>G on transcript NM_005188.4 (MANE Select); coding-DNA position 1622, A replaced by G.
Protein change: p.Asp541Gly; replaces aspartic acid 541 with glycine.
Molecular consequence: missense variant.
Genome position (GRCh38, 1-based): chr11:119,285,247, A>G. VCF-style: chr11-119285247-A-G. GRCh37 (hg19) VCF-style: chr11-119155957-A-G.
Other names: c.1622A>G (NM_005188.2); short protein forms D541G.
Identifiers: ClinVar variation 2790188 (VCV002790188.4), dbSNP rs147285276, ClinGen allele CA382919237.

ClinVar aggregate classification (germline): Uncertain significance. Review status: criteria provided, multiple submitters, no conflicts (2 of 4 stars). 2 submissions from 2 submitters: Uncertain significance (2). Last evaluated 2025-06-14.

Conditions:
Cardiovascular phenotype. Identifiers: MedGen CN230736.
RASopathy. Also called: rasopathies; Noonan spectrum disorder. Identifiers: Orphanet 536391, MedGen C5555857, MONDO:0021060.

gnomAD v4.1: 2 of 1,613,806 alleles (0.00012%); highest among the groups gnomAD compares: African/African-American, 0.0013%; no homozygotes.

Submissions (2):

Labcorp Genetics (formerly Invitae), Labcorp
Classification: Uncertain significance for RASopathy. Last evaluated: 2025-06-14. Review status: criteria provided, single submitter. Criteria: Invitae Variant Classification Sherloc (09022015). Collection method: clinical testing. Allele origin: germline.
Comment: This sequence change replaces aspartic acid, which is acidic and polar, with glycine, which is neutral and non-polar, at codon 541 of the CBL protein (p.Asp541Gly). This variant is not present in population databases (gnomAD no frequency). This variant has not been reported in the literature in individuals affected with CBL-related conditions. ClinVar contains an entry for this variant (Variation ID: 2790188). Invitae Evidence Modeling of protein sequence and biophysical properties (such as structural, functional, and spatial information, amino acid conservation, physicochemical variation, residue mobility, and thermodynamic stability) indicates that this missense variant is not expected to disrupt CBL protein function with a negative predictive value of 95%. In summary, the available evidence is currently insufficient to determine the role of this variant in disease. Therefore, it has been classified as a Variant of Uncertain Significance.

Ambry Genetics
Classification: Uncertain significance for Cardiovascular phenotype. Last evaluated: 2024-10-15. Review status: criteria provided, single submitter. Criteria: Ambry Variant Classification Scheme 2023. Collection method: clinical testing. Allele origin: germline.
Comment: The p.D541G variant (also known as c.1622A>G), located in coding exon 11 of the CBL gene, results from an A to G substitution at nucleotide position 1622. The aspartic acid at codon 541 is replaced by glycine, an amino acid with similar properties. This amino acid position is conserved. In addition, the in silico prediction for this alteration is inconclusive. Based on the available evidence, the clinical significance of this variant remains unclear.